The following is an entry in ClinVar:

ClinVar aggregate classification (germline): Uncertain significance (1 of 4 stars; one submission).

Conditions:
Cardiovascular phenotype. Identifiers: MedGen CN230736.

gnomAD v4.1: 19 of 1,613,786 alleles (0.0012%); highest among the groups gnomAD compares: East Asian, 0.011%; no homozygotes.

Submission:

Ambry Genetics
Classification: Uncertain significance for Cardiovascular phenotype. Last evaluated: 2026-04-27. Review status: criteria provided, single submitter. Criteria: Ambry Variant Classification Scheme 2023. Collection method: clinical testing. Allele origin: germline.
Comment: The p.E2999K variant (also known as c.8995G>A), located in coding exon 25 of the TNXB gene, results from a G to A substitution at nucleotide position 8995. The glutamic acid at codon 2999 is replaced by lysine, an amino acid with similar properties. This amino acid position is conserved. In addition, this alteration is predicted to be tolerated by in silico analysis. Based on the available evidence, the clinical significance of this variant remains unclear.

NM_001365276.2(TNXB):c.9001G>A (p.Glu3001Lys)

Gene: TNXB (tenascin XB; minus strand). Cytogenetic location: 6p21.33.
Variant type: single nucleotide variant.
Coding change: c.9001G>A on transcript NM_001365276.2 (MANE Select); coding-DNA position 9001, G replaced by A.
Protein change: p.Glu3001Lys; replaces glutamic acid 3001 with lysine.
Molecular consequence: missense variant.
Genome position (GRCh38, 1-based): chr6:32,052,784, C>T on the plus strand (G>A on the coding strand, the complement: TNXB is on the minus strand). VCF-style: chr6-32052784-C-T. GRCh37 (hg19) VCF-style: chr6-32020561-C-T.
Other names: c.9742G>A, p.Glu3248Lys (NM_001428335.1); c.8995G>A, p.Glu2999Lys (NM_019105.8); short protein forms E2999K, E3001K, E3248K.
Identifiers: ClinVar variation 4865820 (VCV004865820.1).